The following is an entry in ClinVar:

NM_032816.5(CEP89):c.1708C>G (p.Leu570Val)

Gene: CEP89 (centrosomal protein 89; minus strand). Cytogenetic location: 19q13.11.
Variant type: single nucleotide variant.
Coding change: c.1708C>G on transcript NM_032816.5 (MANE Select); coding-DNA position 1708, C replaced by G.
Protein change: p.Leu570Val; replaces leucine 570 with valine.
Molecular consequence: missense variant.
Genome position (GRCh38, 1-based): chr19:32,901,270, G>C on the plus strand (C>G on the coding strand, the complement: CEP89 is on the minus strand). VCF-style: chr19-32901270-G-C. GRCh37 (hg19) VCF-style: chr19-33392176-G-C.
Other names: short protein forms L570V.
Identifiers: ClinVar variation 1397022 (VCV001397022.6), dbSNP rs925788806, ClinGen allele CA307505517.

ClinVar aggregate classification (germline): Uncertain significance (1 of 4 stars; one submission).

Allele frequency attached by ClinVar (database versions not stated): gnomAD exomes below 0.00001; gnomAD 0.00001; TOPMed 0.00001.
gnomAD v4.1: 2 of 1,612,230 alleles (0.00012%); highest among the groups gnomAD compares: Admixed American, 0.0017%; no homozygotes.

Submission:

Labcorp Genetics (formerly Invitae), Labcorp
Classification: Uncertain significance. Last evaluated: 2021-12-14. Review status: criteria provided, single submitter. Criteria: Invitae Variant Classification Sherloc (09022015). Collection method: clinical testing. Allele origin: germline.
Comment: In summary, the available evidence is currently insufficient to determine the role of this variant in disease. Therefore, it has been classified as a Variant of Uncertain Significance. Algorithms developed to predict the effect of missense changes on protein structure and function are either unavailable or do not agree on the potential impact of this missense change (SIFT: "Tolerated"; PolyPhen-2: "Probably Damaging"; Align-GVGD: "Class C0"). This variant has not been reported in the literature in individuals affected with CEP89-related conditions. This variant is present in population databases (no rsID available, gnomAD 0.006%). This sequence change replaces leucine, which is neutral and non-polar, with valine, which is neutral and non-polar, at codon 570 of the CEP89 protein (p.Leu570Val).